The following is an entry in ClinVar:

NM_000540.3(RYR1):c.559G>A (p.Glu187Lys)

Gene: RYR1 (ryanodine receptor 1; plus strand). Cytogenetic location: 19q13.2.
Variant type: single nucleotide variant.
Coding change: c.559G>A on transcript NM_000540.3 (MANE Select); coding-DNA position 559, G replaced by A.
Protein change: p.Glu187Lys; replaces glutamic acid 187 with lysine.
Molecular consequence: missense variant.
Genome position (GRCh38, 1-based): chr19:38,444,605, G>A. VCF-style: chr19-38444605-G-A. GRCh37 (hg19) VCF-style: chr19-38935245-G-A.
Other names: c.559G>A, p.Glu187Lys (NM_001042723.2); short protein forms E187K.
Identifiers: ClinVar variation 571165 (VCV000571165.8), dbSNP rs1014768250, ClinGen allele CA308112476.

ClinVar aggregate classification (germline): Uncertain significance (1 of 4 stars; one submission).

Conditions:
RYR1-related disorder. Also called: RYR1-related disorders; RYR1-related condition. Identifiers: MedGen CN239331.

Allele frequency attached by ClinVar (database versions not stated): gnomAD exomes below 0.00001; TOPMed below 0.00001.
gnomAD v4.1: 1 of 1,613,952 alleles (0.000062%); no homozygotes.

Submission:

Labcorp Genetics (formerly Invitae), Labcorp
Classification: Uncertain significance for RYR1-related disorder. Last evaluated: 2018-02-20. Review status: criteria provided, single submitter. Criteria: Invitae Variant Classification Sherloc (09022015). Collection method: clinical testing. Allele origin: germline.
Comment: This sequence change is located in a region of the RYR1 protein where a significant number of previously reported RYR1 missense mutations are found (PMID: 16084090). This sequence change replaces glutamic acid with lysine at codon 187 of the RYR1 protein (p.Glu187Lys). The glutamic acid residue is highly conserved and there is a small physicochemical difference between glutamic acid and lysine. In summary, the available evidence is currently insufficient to determine the role of this variant in disease. Therefore, it has been classified as a Variant of Uncertain Significance. This variant has not been reported in the literature in individuals with RYR1-related disease. This variant is not present in population databases (ExAC no frequency).

Literature cited by the submitters: PubMed 16084090.